The following is an entry in ClinVar:

ClinVar aggregate classification (germline): Conflicting classifications of pathogenicity. Review status: criteria provided, conflicting classifications (1 of 4 stars). 5 submissions from 5 submitters: Uncertain significance (1); Likely benign (3). 1 of the submissions does not count toward it. Last evaluated 2026-01-28.

Conditions:
NEB-related disorder. Also called: NEB-related condition; NEB-Related Disorders.
Nemaline myopathy 2 (NEM2). Also called: Nemaline myopathy 2, autosomal recessive. Identifiers: MedGen C1850569, MONDO:0009725, OMIM 256030.

Allele frequency attached by ClinVar (database versions not stated): gnomAD exomes 0.00013; 1000 Genomes Project 30x 0.00016; 1000 Genomes Project 0.00020; ExAC 0.00033; TOPMed 0.00051; gnomAD 0.00054 and 0.00058; ESP Exome Variant Server 0.00067.
gnomAD v4.1: 156 of 1,583,882 alleles (0.0098%); highest among the groups gnomAD compares: African/African-American, 0.15%; no homozygotes.

Submissions (5):

Labcorp Genetics (formerly Invitae), Labcorp
Classification: Likely benign for Nemaline myopathy 2. Last evaluated: 2026-01-28. Review status: criteria provided, single submitter. Criteria: Invitae Variant Classification Sherloc (09022015). Collection method: clinical testing. Allele origin: germline.

PreventionGenetics, part of Exact Sciences
Classification: Likely benign for NEB-related condition. Last evaluated: 2025-12-30. Review status: criteria provided, single submitter. Criteria: ACMG Guidelines, 2015. Collection method: clinical testing. Allele origin: germline.
Comment: This variant is classified as likely benign based on ACMG/AMP sequence variant interpretation guidelines (Richards et al. 2015 PMID: 25741868, with internal and published modifications).

Blueprint Genetics
Classification: Likely benign. Last evaluated: 2023-03-29. Review status: criteria provided, single submitter. Criteria: ACMG Guidelines, 2015. Collection method: clinical testing. Allele origin: germline.

Revvity Omics, Revvity
Classification: Uncertain significance. Last evaluated: 2019-05-06. Review status: criteria provided, single submitter. Criteria: ACMG Guidelines, 2015. Collection method: clinical testing. Allele origin: germline.

Natera, Inc.
Classification: Uncertain significance for Nemaline myopathy type 2. Last evaluated: 2019-11-11. Review status: no assertion criteria provided. Collection method: clinical testing. Allele origin: germline. Not counted in ClinVar's aggregate classification.

NM_001164508.2(NEB):c.20835G>A (p.Pro6945=)

Gene: NEB (nebulin; minus strand). Cytogenetic location: 2q23.3.
Variant type: single nucleotide variant.
Coding change: c.20835G>A on transcript NM_001164508.2 (MANE Select); coding-DNA position 20835, G replaced by A.
Protein change: p.Pro6945=; no amino-acid change (proline 6945 retained).
Molecular consequence: synonymous variant.
Genome position (GRCh38, 1-based): chr2:151,540,401, C>T on the plus strand (G>A on the coding strand, the complement: NEB is on the minus strand). VCF-style: chr2-151540401-C-T. GRCh37 (hg19) VCF-style: chr2-152396915-C-T.
Other names: c.20835G>A, p.Pro6945= (NM_001164507.2, NM_001271208.2); c.15732G>A, p.Pro5244= (NM_004543.5).
Identifiers: ClinVar variation 704471 (VCV000704471.17), dbSNP rs186244044, ClinGen allele CA1907154.